The following is an entry in ClinVar:

ClinVar aggregate classification (germline): Benign. Review status: criteria provided, multiple submitters, no conflicts (2 of 4 stars). 3 submissions from 3 submitters: Benign (3). Last evaluated 2026-02-02.

Conditions:
Congenital stationary night blindness 1C. Also called: Night blindness, congenital stationary (complete), 1C, autosomal recessive. Identifiers: Orphanet 215, MedGen C2750747, MONDO:0013183, OMIM 613216.

Allele frequency attached by ClinVar (database versions not stated): gnomAD exomes 0.00257; ExAC 0.00304; ESP Exome Variant Server 0.00987; TOPMed 0.01107; 1000 Genomes Project 0.01378; 1000 Genomes Project 30x 0.01499.
gnomAD v4.1: 2,915 of 1,614,100 alleles (0.18%); highest among the groups gnomAD compares: African/African-American, 3.4%; 51 homozygotes.

Submissions (3):

Labcorp Genetics (formerly Invitae), Labcorp
Classification: Benign. Last evaluated: 2026-02-02. Review status: criteria provided, single submitter. Criteria: Invitae Variant Classification Sherloc (09022015). Collection method: clinical testing. Allele origin: germline.

Illumina Laboratory Services, Illumina
Classification: Benign for Congenital stationary night blindness 1C. Last evaluated: 2018-01-13. Review status: criteria provided, single submitter. Criteria: ICSL Variant Classification Criteria 13 December 2019. Collection method: clinical testing. Allele origin: germline.
Comment: This variant was observed in the ICSL laboratory as part of a predisposition screen in an ostensibly healthy population. It had not been previously curated by ICSL or reported in the Human Gene Mutation Database (HGMD: prior to June 1st, 2018), and was therefore a candidate for classification through an automated scoring system. Utilizing variant allele frequency, disease prevalence and penetrance estimates, and inheritance mode, an automated score was calculated to assess if this variant is too frequent to cause the disease. Based on the score and internal cut-off values, a variant classified as benign is not then subjected to further curation. The score for this variant resulted in a classification of benign for this disease.

Breakthrough Genomics
Classification: Benign. Review status: criteria provided, single submitter. Criteria: ACMG Guidelines, 2015. Collection method: not provided. Allele origin: germline. Inheritance: Unknown mechanism. Affected: yes.

NM_001252024.2(TRPM1):c.1342G>A (p.Gly448Arg)

Gene: TRPM1 (transient receptor potential cation channel subfamily M member 1; minus strand). Cytogenetic location: 15q13.3.
Variant type: single nucleotide variant.
Coding change: c.1342G>A on transcript NM_001252024.2 (MANE Select); coding-DNA position 1342, G replaced by A.
Protein change: p.Gly448Arg; replaces glycine 448 with arginine.
Molecular consequence: missense variant.
Genome position (GRCh38, 1-based): chr15:31,050,504, C>T on the plus strand (G>A on the coding strand, the complement: TRPM1 is on the minus strand). VCF-style: chr15-31050504-C-T. GRCh37 (hg19) VCF-style: chr15-31342707-C-T.
Other names: c.1393G>A, p.Gly465Arg (NM_001252020.2); c.1276G>A, p.Gly426Arg (NM_002420.6); short protein forms G426R, G448R, G465R.
Identifiers: ClinVar variation 315527 (VCV000315527.16), dbSNP rs73372436, ClinGen allele CA7452595.
Genomic context (GRCh38, chr15:31,050,504, plus strand): 5'-CTTCCTCCACTTCCTCTTTCACTTTCCCTTTCTTCTTGCCTTTCCCTTTTCCTCTTCCTC[C>T]CTTGGTGGTGGCCATGGGTGGCTTCTTCTCCTTCTCCGTGGCTTTGCTGTCCGTCGGGGG-3'
Protein context (NP_001238953.1, residues 438-458): EKKPPMATTK[Gly448Arg]GRGKGKGKKK